The following is an entry in ClinVar:

ClinVar aggregate classification (germline): Uncertain significance (1 of 4 stars; one submission).

Conditions:
Inborn genetic diseases. Identifiers: MedGen C0950123, MeSH D030342.

Submission:

Ambry Genetics
Classification: Uncertain significance for Inborn genetic diseases. Last evaluated: 2025-10-27. Review status: criteria provided, single submitter. Criteria: Ambry Variant Classification Scheme 2023. Collection method: clinical testing. Allele origin: germline.
Comment: The p.A34T variant (also known as c.100G>A), located in coding exon 2 of the RECQL4 gene, results from a G to A substitution at nucleotide position 100. The alanine at codon 34 is replaced by threonine, an amino acid with similar properties. This amino acid position is conserved. In addition, the in silico prediction for this alteration is inconclusive. Based on the available evidence, the clinical significance of this variant remains unclear.

NM_004260.4(RECQL4):c.100G>A (p.Ala34Thr)

Genes: RECQL4 (RecQ like helicase 4; minus strand), LOC130001411 (ATAC-STARR-seq lymphoblastoid silent region 19699; plus strand). Cytogenetic location: 8q24.3.
Variant type: single nucleotide variant.
Coding change: c.100G>A on transcript NM_004260.4 (MANE Select); coding-DNA position 100, G replaced by A.
Protein change: p.Ala34Thr; replaces alanine 34 with threonine.
Molecular consequence: missense variant. On other transcripts: 5 prime UTR variant (17), non-coding transcript variant (3), intron variant (1).
Genome position (GRCh38, 1-based): chr8:144,517,620, C>T on the plus strand (G>A on the coding strand, the complement: RECQL4 is on the minus strand). VCF-style: chr8-144517620-C-T. GRCh37 (hg19) VCF-style: chr8-145743004-C-T.
Other names: c.100G>A, p.Ala34Thr (NM_001413017.1, NM_001413018.1, NM_001413019.1 and 5 more transcripts); c.-621G>A (NM_001413021.1); c.-972G>A (NM_001413022.1, NM_001413023.1, NM_001413037.1 and 2 more transcripts); c.-869G>A (NM_001413024.1, NM_001413035.1); c.-1034G>A (NM_001413027.1, NM_001413030.1, NM_001413031.1 and 1 more transcripts); c.-697G>A (NM_001413028.1); c.-931G>A (NM_001413032.1); c.-876G>A (NM_001413034.1); and 3 more; short protein forms A34T.
Identifiers: ClinVar variation 4628958 (VCV004628958.1).
Genomic context (GRCh38, chr8:144,517,620, plus strand): 5'-ACCCGGTGTCTTCTCGCCCCCGCCGCCCCGCCGCGCGCTCACCGCGGGTCTCCTCCGGCG[C>T]CGCCTCCACGTCGTCCTGTAAAGGGAACGCGTCAGCCGCGGGCCGCGCCCTCAGCCCCTC-3'
Protein context (NP_004251.4, residues 24-44): RRPSQDDVEA[Ala34Thr]PEETRALYRE